The following is an entry in ClinVar:

ClinVar aggregate classification (germline): Uncertain significance (1 of 4 stars; one submission).

Conditions:
ALMS1-related disorder. Also called: ALMS1-related condition.

gnomAD v4.1: 1 of 1,582,496 alleles (0.000063%); no homozygotes.

Submission:

PreventionGenetics, part of Exact Sciences
Classification: Uncertain significance for ALMS1-related condition. Last evaluated: 2026-04-30. Review status: criteria provided, single submitter. Criteria: ACMG Guidelines, 2015. Collection method: clinical testing. Allele origin: germline.
Comment: The ALMS1 c.1564G>A variant is predicted to result in the amino acid substitution p.Val522Ile. To our knowledge, this variant has not been reported in the literature or in a large population database (gnomAD), indicating this variant is rare. At this time, the clinical significance of this variant is uncertain due to the absence of conclusive functional and genetic evidence.

NM_001378454.1(ALMS1):c.1561G>A (p.Ala521Thr)

Gene: ALMS1 (ALMS1 centrosome and basal body associated protein; plus strand). Cytogenetic location: 2p13.1.
Variant type: single nucleotide variant.
Coding change: c.1561G>A on transcript NM_001378454.1 (MANE Select); coding-DNA position 1561, G replaced by A.
Protein change: p.Ala521Thr; replaces alanine 521 with threonine.
Molecular consequence: missense variant.
Genome position (GRCh38, 1-based): chr2:73,448,088, G>A. VCF-style: chr2-73448088-G-A. GRCh37 (hg19) VCF-style: chr2-73675218-G-A.
Other names: c.1564G>A, p.Ala522Thr (NM_015120.4); short protein forms A521T, A522T.
Identifiers: ClinVar variation 4981424 (VCV004981424.1).